The following is an entry in ClinVar:

NM_003721.4(RFXANK):c.596G>A (p.Arg199His)

Gene: RFXANK (regulatory factor X associated ankyrin containing protein; plus strand). Cytogenetic location: 19p13.11.
Variant type: single nucleotide variant.
Coding change: c.596G>A on transcript NM_003721.4 (MANE Select); coding-DNA position 596, G replaced by A.
Protein change: p.Arg199His; replaces arginine 199 with histidine.
Molecular consequence: missense variant.
Genome position (GRCh38, 1-based): chr19:19,198,688, G>A. VCF-style: chr19-19198688-G-A. GRCh37 (hg19) VCF-style: chr19-19309497-G-A.
Other names: c.530G>A, p.Arg177His (NM_001278727.2, NM_001370234.1); c.527G>A, p.Arg176His (NM_001278728.2, NM_134440.3); c.596G>A, p.Arg199His (NM_001370233.1, NM_001370238.1); c.593G>A, p.Arg198His (NM_001370235.1, NM_001370236.1, NM_001370237.1); short protein forms R199H, R176H, R198H, R177H.
Identifiers: ClinVar variation 1522655 (VCV001522655.5), dbSNP rs769155207, ClinGen allele CA9322831.
Genomic context (GRCh38, chr19:19,198,688, plus strand): 5'-TTGGTTTCTCCTGCCCCTACCCACGACAGAATGGAGGGACGCCACTGCTGTACGCTGTGC[G>A]CGGGAACCACGTGAAATGCGTTGAGGCCTTGCTGGGTGAGTGGGAGTCGGGAGTGGCCCT-3'
Protein context (NP_003712.1, residues 189-209): NGGTPLLYAV[Arg199His]GNHVKCVEAL

ClinVar aggregate classification (germline): Uncertain significance (1 of 4 stars; one submission).

Conditions:
MHC class II deficiency. Also called: Bare lymphocyte syndrome 2; BLS, TYPE II. Identifiers: Orphanet 572, MedGen C5447452, MONDO:0008855.

Allele frequency attached by ClinVar (database versions not stated): gnomAD exomes 0.00001; ExAC 0.00002; TOPMed 0.00002; gnomAD 0.00004.
gnomAD v4.1: 21 of 1,613,794 alleles (0.0013%); highest among the groups gnomAD compares: Middle Eastern, 0.016%; no homozygotes.

Submission:

Labcorp Genetics (formerly Invitae), Labcorp
Classification: Uncertain significance for MHC class II deficiency. Last evaluated: 2022-08-22. Review status: criteria provided, single submitter. Criteria: Invitae Variant Classification Sherloc (09022015). Collection method: clinical testing. Allele origin: germline.
Comment: This sequence change replaces arginine, which is basic and polar, with histidine, which is basic and polar, at codon 199 of the RFXANK protein (p.Arg199His). This variant is present in population databases (rs769155207, gnomAD 0.003%). This variant has not been reported in the literature in individuals affected with RFXANK-related conditions. ClinVar contains an entry for this variant (Variation ID: 1522655). Algorithms developed to predict the effect of missense changes on protein structure and function are either unavailable or do not agree on the potential impact of this missense change (SIFT: "Deleterious"; PolyPhen-2: "Benign"; Align-GVGD: "Class C0"). In summary, the available evidence is currently insufficient to determine the role of this variant in disease. Therefore, it has been classified as a Variant of Uncertain Significance.